The following is an entry in ClinVar:

ClinVar aggregate classification (germline): Uncertain significance (1 of 4 stars; one submission).

Conditions:
Inborn genetic diseases. Identifiers: MedGen C0950123, MeSH D030342.

gnomAD v4.1: 1 of 1,585,906 alleles (0.000063%); highest among the groups gnomAD compares: Non-Finnish European, 0.000086%; no homozygotes.

Submission:

Ambry Genetics
Classification: Uncertain significance for Inborn genetic diseases. Last evaluated: 2025-12-28. Review status: criteria provided, single submitter. Criteria: Ambry Variant Classification Scheme 2023. Collection method: clinical testing. Allele origin: germline.
Comment: The p.N1345D variant (also known as c.4033A>G), located in coding exon 28 of the ANKRD26 gene, results from an A to G substitution at nucleotide position 4033. The asparagine at codon 1345 is replaced by aspartic acid, an amino acid with highly similar properties. This amino acid position is conserved. In addition, this alteration is predicted to be tolerated by in silico analysis. Based on the available evidence, the clinical significance of this variant remains unclear.

NM_014915.3(ANKRD26):c.4033A>G (p.Asn1345Asp)

Gene: ANKRD26 (ankyrin repeat domain 26; minus strand). Cytogenetic location: 10p12.1.
Variant type: single nucleotide variant.
Coding change: c.4033A>G on transcript NM_014915.3 (MANE Select); coding-DNA position 4033, A replaced by G.
Protein change: p.Asn1345Asp; replaces asparagine 1345 with aspartic acid.
Molecular consequence: missense variant.
Genome position (GRCh38, 1-based): chr10:27,024,499, T>C on the plus strand (A>G on the coding strand, the complement: ANKRD26 is on the minus strand). VCF-style: chr10-27024499-T-C. GRCh37 (hg19) VCF-style: chr10-27313428-T-C.
Other names: c.4030A>G, p.Asn1344Asp (NM_001256053.2); short protein forms N1344D, N1345D.
Identifiers: ClinVar variation 4842354 (VCV004842354.1).